The following is an entry in ClinVar:

ClinVar aggregate classification (germline): Uncertain significance (1 of 4 stars; one submission).

Submission:

GeneDx
Classification: Uncertain significance. Last evaluated: 2023-06-05. Review status: criteria provided, single submitter. Criteria: GeneDx Variant Classification Process June 2021. Collection method: clinical testing. Allele origin: germline. Affected: yes.
Comment: Not observed at significant frequency in large population cohorts (gnomAD); In silico analysis supports that this missense variant does not alter protein structure/function; Has not been previously published as pathogenic or benign to our knowledge

NM_001085458.2(CTNND1):c.70G>A (p.Glu24Lys)

Genes: CTNND1 (catenin delta 1; plus strand), TMX2-CTNND1 (TMX2-CTNND1 readthrough (NMD candidate); plus strand). Cytogenetic location: 11q12.1.
Variant type: single nucleotide variant.
Coding change: c.70G>A on transcript NM_001085458.2 (MANE Select); coding-DNA position 70, G replaced by A.
Protein change: p.Glu24Lys; replaces glutamic acid 24 with lysine.
Molecular consequence: missense variant. On other transcripts: non-coding transcript variant (1), 5 prime UTR variant (7), intron variant (8).
Genome position (GRCh38, 1-based): chr11:57,791,548, G>A. VCF-style: chr11-57791548-G-A. GRCh37 (hg19) VCF-style: chr11-57559020-G-A.
Other names: c.70G>A, p.Glu24Lys (NM_001085459.2, NM_001085460.2, NM_001085461.2 and 3 more transcripts); c.-93G>A (NM_001206883.2, NM_001206884.2, NM_001206886.2 and 4 more transcripts); c.-108-2462G>A (NM_001085467.2, NM_001206890.2, NM_001085463.2 and 4 more transcripts); c.-36-4029G>A (NM_001085469.2); short protein forms E24K.
Identifiers: ClinVar variation 3359466 (VCV003359466.1).